The following is an entry in ClinVar:

NM_006231.4(POLE):c.6792C>G (p.His2264Gln)

Gene: POLE (DNA polymerase epsilon, catalytic subunit; minus strand). Cytogenetic location: 12q24.33.
Variant type: single nucleotide variant.
Coding change: c.6792C>G on transcript NM_006231.4 (MANE Select); coding-DNA position 6792, C replaced by G.
Protein change: p.His2264Gln; replaces histidine 2264 with glutamine.
Molecular consequence: missense variant.
Genome position (GRCh38, 1-based): chr12:132,624,766, G>C on the plus strand (C>G on the coding strand, the complement: POLE is on the minus strand). VCF-style: chr12-132624766-G-C. GRCh37 (hg19) VCF-style: chr12-133201352-G-C.
Other names: short protein forms H2264Q.
Identifiers: ClinVar variation 652918 (VCV000652918.15), dbSNP rs1396625189, ClinGen allele CA387365778.
Genomic context (GRCh38, chr12:132,624,766, plus strand): 5'-CAGCTGTGGGTTCTTCTGCAGCAGCCACTCCAGGGTCTCCAGGAGGTACGACATGCCGTA[G>C]TGCTGGGCAATGTTCCGGAATATTCCGATCTGTTCCATGAAGACCTGCAGGAATAAACAG-3'
Protein context (NP_006222.2, residues 2254-2274): QIGIFRNIAQ[His2264Gln]YGMSYLLETL

ClinVar aggregate classification (germline): Conflicting classifications of pathogenicity. Review status: criteria provided, conflicting classifications (1 of 4 stars). 4 submissions from 4 submitters: Uncertain significance (3); Likely benign (1). Last evaluated 2026-01-26.

Conditions:
Colorectal cancer, susceptibility to, 12 (CRCS12). Also called: COLORECTAL CANCER, SUSCEPTIBILITY TO, ON CHROMOSOME 12q24. Identifiers: Orphanet 220460, MedGen C3554460, MONDO:0014038, OMIM 615083.
Facial dysmorphism-immunodeficiency-livedo-short stature syndrome. Also called: Facial dysmorphism, immunodeficiency, livedo, and short stature; FILS syndrome. Identifiers: Orphanet 352712, MedGen C3554576, MONDO:0014058, OMIM 615139.
Intrauterine growth retardation, metaphyseal dysplasia, adrenal hypoplasia congenita, genital anomalies, and immunodeficiency. Also called: IMAGEI SYNDROME. Identifiers: MedGen C5193036, MONDO:0032684, OMIM 618336.
Hereditary cancer-predisposing syndrome. Also called: Neoplastic Syndromes, Hereditary; Tumor predisposition; Hereditary Cancer Syndrome; Hereditary neoplastic syndrome. Identifiers: Orphanet 140162, MedGen C0027672, MeSH D009386, MONDO:0015356.

Allele frequency attached by ClinVar (database versions not stated): TOPMed below 0.00001; gnomAD exomes 0.00001.

Submissions (4):

Labcorp Genetics (formerly Invitae), Labcorp
Classification: Uncertain significance. Last evaluated: 2026-01-26. Review status: criteria provided, single submitter. Criteria: Invitae Variant Classification Sherloc (09022015). Collection method: clinical testing. Allele origin: germline.
Comment: This sequence change replaces histidine, which is basic and polar, with glutamine, which is neutral and polar, at codon 2264 of the POLE protein (p.His2264Gln). This variant is not present in population databases (gnomAD no frequency). This variant has not been reported in the literature in individuals affected with POLE-related conditions. ClinVar contains an entry for this variant (Variation ID: 652918). Invitae Evidence Modeling of protein sequence and biophysical properties (such as structural, functional, and spatial information, amino acid conservation, physicochemical variation, residue mobility, and thermodynamic stability) indicates that this missense variant is not expected to disrupt POLE protein function with a negative predictive value of 80%. RNA analysis performed to evaluate the impact of this missense change on mRNA splicing indicates it does not significantly alter splicing (internal data). In summary, the available evidence is currently insufficient to determine the role of this variant in disease. Therefore, it has been classified as a Variant of Uncertain Significance.

Ambry Genetics
Classification: Likely benign for Hereditary cancer-predisposing syndrome. Last evaluated: 2025-01-31. Review status: criteria provided, single submitter. Criteria: Ambry Variant Classification Scheme 2023. Collection method: clinical testing. Allele origin: germline.

Fulgent Genetics
Classification: Uncertain significance for Colorectal cancer, susceptibility to, 12; Facial dysmorphism-immunodeficiency-livedo-short stature syndrome; Intrauterine growth retardation, metaphyseal dysplasia, adrenal hypoplasia congenita, genital anomalies, and immunodeficiency. Last evaluated: 2024-03-21. Review status: criteria provided, single submitter. Criteria: ACMG Guidelines, 2015. Collection method: clinical testing. Allele origin: germline.

GeneDx
Classification: Uncertain significance. Last evaluated: 2024-01-31. Review status: criteria provided, single submitter. Criteria: GeneDx Variant Classification Process June 2021. Collection method: clinical testing. Allele origin: germline. Affected: yes.
Comment: Not observed at significant frequency in large population cohorts (gnomAD); In silico analysis supports that this missense variant has a deleterious effect on protein structure/function; Has not been previously published as pathogenic or benign to our knowledge